The following is an entry in ClinVar:

NM_001429.4(EP300):c.4795C>T (p.Arg1599Cys)

Gene: EP300 (EP300 lysine acetyltransferase; plus strand). Cytogenetic location: 22q13.2.
Variant type: single nucleotide variant.
Coding change: c.4795C>T on transcript NM_001429.4 (MANE Select); coding-DNA position 4795, C replaced by T.
Protein change: p.Arg1599Cys; replaces arginine 1599 with cysteine.
Molecular consequence: missense variant.
Genome position (GRCh38, 1-based): chr22:41,176,262, C>T. VCF-style: chr22-41176262-C-T. GRCh37 (hg19) VCF-style: chr22-41572266-C-T.
Other names: c.4717C>T, p.Arg1573Cys (NM_001362843.2); short protein forms R1573C, R1599C.
Identifiers: ClinVar variation 3347702 (VCV003347702.2).
Genomic context (GRCh38, chr22:41,176,262, plus strand): 5'-AGAGCGAGGCCCTGTCTCAAAAAAAAGAGACTGTCTGTTTTTCAGGTCTTCTTTGTGATC[C>T]GCCTCATTGCTGGCCCTGCTGCCAACTCCCTGCCTCCCATTGTTGATCCTGATCCTCTCA-3'
Protein context (NP_001420.2, residues 1589-1609): EKHKEVFFVI[Arg1599Cys]LIAGPAANSL

ClinVar aggregate classification (germline): Uncertain significance (1 of 4 stars; one submission).

Conditions:
EP300-related disorder. Also called: EP300-related condition; EP300-related disorders.

gnomAD v4.1: 4 of 1,614,052 alleles (0.00025%); highest among the groups gnomAD compares: Non-Finnish European, 0.00034%; no homozygotes.

Submission:

PreventionGenetics, part of Exact Sciences
Classification: Uncertain significance for EP300-related condition. Last evaluated: 2025-08-07. Review status: criteria provided, single submitter. Criteria: ACMG Guidelines, 2015. Collection method: clinical testing. Allele origin: germline.
Comment: The EP300 c.4795C>T variant is predicted to result in the amino acid substitution p.Arg1599Cys. To our knowledge, this variant has not been reported in the literature. This variant is reported in 0.0062% of alleles in individuals of African descent in gnomAD. At this time, the clinical significance of this variant is uncertain due to the absence of conclusive functional and genetic evidence.